The following is an entry in ClinVar:

NM_001134407.3(GRIN2A):c.1790del (p.Pro597fs)

Gene: GRIN2A (glutamate ionotropic receptor NMDA type subunit 2A; minus strand). Cytogenetic location: 16p13.2.
Variant type: Deletion.
Coding change: c.1790del on transcript NM_001134407.3 (MANE Select); coding-DNA position 1790, one base deleted (C; older notation c.1790delC).
Protein change: p.Pro597fs; shifts the reading frame from proline 597.
Molecular consequence: frameshift variant.
Genome position (GRCh38, 1-based): chr16:9,829,640, G deleted on the plus strand (C on the coding strand, the reverse complement: GRIN2A is on the minus strand); the first of 2 consecutive G bases (chr16:9,829,640-9,829,641); deleting either gives the same sequence. VCF-style (leftmost placement, unchanged base first): chr16-9829639-AG-A. GRCh37 (hg19) VCF-style: chr16-9923496-AG-A.
Other names: c.1790del, p.Pro597fs (NM_000833.5, NM_001134408.2); short protein forms P597fs.
Identifiers: ClinVar variation 2701750 (VCV002701750.3), dbSNP rs2506112058, ClinGen allele CA2697555658.

ClinVar aggregate classification (germline): Pathogenic (1 of 4 stars; one submission).

Conditions:
Landau-Kleffner syndrome (FESD). Also called: APHASIA, ACQUIRED, WITH EPILEPSY; EPILEPSY, FOCAL, WITH SPEECH DISORDER AND WITH OR WITHOUT MENTAL RETARDATION. Identifiers: Orphanet 1945, Orphanet 725, Orphanet 98818, MedGen C0282512, MONDO:0009509, OMIM 245570.

Submission:

Labcorp Genetics (formerly Invitae), Labcorp
Classification: Pathogenic for Landau-Kleffner syndrome. Last evaluated: 2024-03-10. Review status: criteria provided, single submitter. Criteria: Invitae Variant Classification Sherloc (09022015). Collection method: clinical testing. Allele origin: germline.
Comment: This sequence change creates a premature translational stop signal (p.Pro597Leufs*57) in the GRIN2A gene. It is expected to result in an absent or disrupted protein product. Loss-of-function variants in GRIN2A are known to be pathogenic (PMID: 23933819, 23933820). This variant is not present in population databases (gnomAD no frequency). This variant has not been reported in the literature in individuals affected with GRIN2A-related conditions. For these reasons, this variant has been classified as Pathogenic.

Literature cited by the submitters: PubMed 23933819; PubMed 23933820.